The following is an entry in ClinVar:

ClinVar aggregate classification (germline): Pathogenic. Review status: reviewed by expert panel (3 of 4 stars). 3 submissions from 3 submitters: Pathogenic (1). 2 of the submissions do not count toward it. Last evaluated 2016-10-18.

Conditions:
Breast-ovarian cancer, familial, susceptibility to, 2 (BROVCA2). Also called: BRCA2 Hereditary Breast and Ovarian Cancer. Identifiers: Orphanet 145, MedGen C2675520, MONDO:0012933, OMIM 612555. Disease mechanism: loss of function.
Hereditary breast ovarian cancer syndrome. Also called: BRCA1- and BRCA2-Associated Hereditary Breast and Ovarian Cancer; Hereditary breast and ovarian cancer; Breast and ovarian cancer; Hereditary breast and/or ovarian cancer syndrome; Hereditary breast and ovarian cancer syndrome; Hereditary breast and ovarian cancer syndrome (HBOC). Identifiers: Orphanet 145, MedGen C0677776, MeSH D061325, MONDO:0003582. Disease mechanism: loss of function.

Submissions (3):

Evidence-based Network for the Interpretation of Germline Mutant Alleles (ENIGMA)
Classification: Pathogenic for Breast-ovarian cancer, familial, susceptibility to, 2. Last evaluated: 2016-10-18. Review status: reviewed by expert panel. Criteria: ENIGMA BRCA1/2 Classification Criteria (2015). Collection method: curation. Allele origin: germline.
Comment: Variant allele predicted to encode a truncated non-functional protein.

Labcorp Genetics (formerly Invitae), Labcorp
Classification: Pathogenic for Hereditary breast ovarian cancer syndrome. Last evaluated: 2023-07-28. Review status: criteria provided, single submitter. Criteria: Invitae Variant Classification Sherloc (09022015). Collection method: clinical testing. Allele origin: germline. Not counted in ClinVar's aggregate classification.
Comment: For these reasons, this variant has been classified as Pathogenic. ClinVar contains an entry for this variant (Variation ID: 266826). This variant has not been reported in the literature in individuals affected with BRCA2-related conditions. This variant is not present in population databases (gnomAD no frequency). This sequence change creates a premature translational stop signal (p.Lys157Serfs*15) in the BRCA2 gene. It is expected to result in an absent or disrupted protein product. Loss-of-function variants in BRCA2 are known to be pathogenic (PMID: 20104584).

Consortium of Investigators of Modifiers of BRCA1/2 (CIMBA), c/o University of Cambridge
Classification: Pathogenic for Breast-ovarian cancer, familial, susceptibility to, 2. Last evaluated: 2015-10-02. Review status: criteria provided, single submitter. Criteria: CIMBA Mutation Classification guidelines May 2016. Collection method: clinical testing. Allele origin: germline. Not counted in ClinVar's aggregate classification.

Literature cited by the submitters: PubMed 20104584 (cited by Labcorp Genetics (formerly Invitae), Labcorp).

NM_000059.4(BRCA2):c.470del (p.Lys157fs)

Gene: BRCA2 (BRCA2 DNA repair associated; plus strand). Cytogenetic location: 13q13.1.
Variant type: Deletion.
Coding change: c.470del on transcript NM_000059.4 (MANE Select); coding-DNA position 470, one base deleted (A; older notation c.470delA).
Protein change: p.Lys157fs; shifts the reading frame from lysine 157.
Molecular consequence: frameshift variant.
Genome position (GRCh38, 1-based): chr13:32,326,145, A deleted; the last of 2 consecutive A bases (chr13:32,326,144-32,326,145); deleting either gives the same sequence. VCF-style (leftmost placement, unchanged base first): chr13-32326143-TA-T. GRCh37 (hg19) VCF-style: chr13-32900280-TA-T.
Other names: 0698delA-ter171; short protein forms K157fs.
Identifiers: ClinVar variation 266826 (VCV000266826.8), dbSNP rs886040544, ClinGen allele CA10589027.